The following is an entry in ClinVar:

ClinVar aggregate classification (germline): Uncertain significance (1 of 4 stars; one submission).

Conditions:
Epidermolysis bullosa simplex 3, localized or generalized intermediate, with BP230 deficiency (EBS3). Also called: Epidermolysis bullosa simplex due to BP230 deficiency; Epidermolysis bullosa simplex, autosomal recessive 2. Identifiers: Orphanet 412181, MedGen C3809470, MONDO:0014180, OMIM 615425.
Hereditary sensory and autonomic neuropathy type 6. Also called: HSAN VI; Neuropathy, hereditary sensory and autonomic, type VI. Identifiers: Orphanet 314381, MedGen C3539003, MONDO:0013839, OMIM 614653.

Submission:

Labcorp Genetics (formerly Invitae), Labcorp
Classification: Uncertain significance for Epidermolysis bullosa simplex 3, localized or generalized intermediate, with BP230 deficiency; Hereditary sensory and autonomic neuropathy type 6. Last evaluated: 2022-08-21. Review status: criteria provided, single submitter. Criteria: Invitae Variant Classification Sherloc (09022015). Collection method: clinical testing. Allele origin: germline.
Comment: The DST gene has multiple clinically relevant transcripts. This variant occurs in alternate transcript NM_015548.4, and corresponds to NM_001723.5:c.*122590A>G in the primary transcript. This sequence change falls in intron 65 of the DST gene. It does not directly change the encoded amino acid sequence of the DST protein. This variant is not present in population databases (gnomAD no frequency). This variant has not been reported in the literature in individuals affected with DST-related conditions. Experimental studies and prediction algorithms are not available or were not evaluated, and the effect of this variant on mRNA splicing is currently unknown. In summary, the available evidence is currently insufficient to determine the role of this variant in disease. Therefore, it has been classified as a Variant of Uncertain Significance.

NM_001374736.1(DST):c.20550+7A>G

Gene: DST (dystonin; minus strand). Cytogenetic location: 6p12.1.
Variant type: single nucleotide variant.
Coding change: c.20550+7A>G on transcript NM_001374736.1 (MANE Select); 7 bases into the intron after coding-DNA position 20550, A replaced by G.
Molecular consequence: intron variant.
Genome position (GRCh38, 1-based): chr6:56,492,927, T>C on the plus strand (A>G on the coding strand, the complement: DST is on the minus strand). VCF-style: chr6-56492927-T-C. GRCh37 (hg19) VCF-style: chr6-56357725-T-C.
Other names: c.14193+7A>G (NM_001144769.5); c.20550+7A>G (NM_001374722.1); c.20577+7A>G (NM_001374734.1); c.13779+7A>G (NM_001144770.2); c.13332+7A>G (NM_001374730.1); c.13659+7A>G (NM_001386100.1, NM_183380.4); c.19590+7A>G (NM_001374729.1); c.12681+7A>G (NM_015548.5).
Identifiers: ClinVar variation 2025496 (VCV002025496.4), dbSNP rs2533954983, ClinGen allele CA2580075571.